The following is an entry in ClinVar:

ClinVar aggregate classification (germline): Uncertain significance (1 of 4 stars; one submission).

Submission:

Ambry Genetics
Classification: Uncertain significance. Last evaluated: 2024-02-01. Review status: criteria provided, single submitter. Criteria: Ambry Variant Classification Scheme 2023. Collection method: clinical testing. Allele origin: germline.
Comment: The p.A841V variant (also known as c.2522C>T), located in coding exon 14 of the PKP4 gene, results from a C to T substitution at nucleotide position 2522. The alanine at codon 841 is replaced by valine, an amino acid with similar properties. This amino acid position is conserved. In addition, the in silico prediction for this alteration is inconclusive. Based on the available evidence, the clinical significance of this alteration remains unclear.

NM_003628.6(PKP4):c.2522C>T (p.Ala841Val)

Genes: PKP4 (plakophilin 4; plus strand), PKP4-AS1 (PKP4 antisense RNA 1; minus strand). Cytogenetic location: 2q24.1.
Variant type: single nucleotide variant.
Coding change: c.2522C>T on transcript NM_003628.6 (MANE Select); coding-DNA position 2522, C replaced by T.
Protein change: p.Ala841Val; replaces alanine 841 with valine.
Molecular consequence: missense variant.
Genome position (GRCh38, 1-based): chr2:158,663,390, C>T. VCF-style: chr2-158663390-C-T. GRCh37 (hg19) VCF-style: chr2-159519902-C-T.
Other names: c.2522C>T, p.Ala841Val (NM_001005476.4, NM_001304971.2, NM_001377218.1 and 1 more transcripts); c.2519C>T, p.Ala840Val (NM_001304969.3, NM_001377219.1, NM_001377220.1 and 2 more transcripts); c.1493C>T, p.Ala498Val (NM_001304970.3); c.2516C>T, p.Ala839Val (NM_001377222.1, NM_001377223.1); c.2513C>T, p.Ala838Val (NM_001377224.1); short protein forms A498V, A838V, A839V, A840V, A841V.
Identifiers: ClinVar variation 3223507 (VCV003223507.1), dbSNP rs2529811754, ClinGen allele CA348903248.